The following is an entry in ClinVar:

ClinVar aggregate classification (germline): Pathogenic (1 of 4 stars; one submission).

Conditions:
Hereditary breast ovarian cancer syndrome. Also called: Hereditary breast and ovarian cancer syndrome; Hereditary breast and/or ovarian cancer syndrome; Hereditary breast and ovarian cancer; Breast and ovarian cancer; Hereditary breast and ovarian cancer syndrome (HBOC); BRCA1- and BRCA2-Associated Hereditary Breast and Ovarian Cancer. Identifiers: Orphanet 145, MedGen C0677776, MeSH D061325, MONDO:0003582. Disease mechanism: loss of function.

Submission:

Labcorp Genetics (formerly Invitae), Labcorp
Classification: Pathogenic for Hereditary breast ovarian cancer syndrome. Last evaluated: 2024-09-09. Review status: criteria provided, single submitter. Criteria: Invitae Variant Classification Sherloc (09022015). Collection method: clinical testing. Allele origin: germline.
Comment: This sequence change creates a premature translational stop signal (p.Glu1210Lysfs*26) in the BRCA1 gene. It is expected to result in an absent or disrupted protein product. Loss-of-function variants in BRCA1 are known to be pathogenic (PMID: 20104584). This variant is not present in population databases (gnomAD no frequency). This variant has not been reported in the literature in individuals affected with BRCA1-related conditions. For these reasons, this variant has been classified as Pathogenic.

Literature cited by the submitters: PubMed 20104584.

NM_007294.4(BRCA1):c.3627_3628insAA (p.Glu1210fs)

Genes: BRCA1 (BRCA1 DNA repair associated; minus strand), LOC126862571 (BRD4-independent group 4 enhancer GRCh37_chr17:41243136-41244335; plus strand). Cytogenetic location: 17q21.31.
Variant type: Insertion.
Coding change: c.3627_3628insAA on transcript NM_007294.4 (MANE Select); coding-DNA positions 3627 to 3628, AA inserted.
Protein change: p.Glu1210fs; shifts the reading frame from glutamic acid 1210.
Molecular consequence: frameshift variant. On other transcripts: intron variant (135).
Genome position: GRCh38 VCF-style: chr17-43091903-C-CTT. GRCh37 (hg19) VCF-style: chr17-41243920-C-CTT.
Other names: c.3414_3415insAA, p.Glu1139fs (NM_001407571.1, NM_001407853.1, NM_001407894.1 and 9 more transcripts); c.3627_3628insAA, p.Glu1210fs (NM_001407581.1, NM_001407582.1, NM_001407583.1 and 30 more transcripts); c.3624_3625insAA, p.Glu1209fs (NM_001407587.1, NM_001407590.1, NM_001407591.1 and 22 more transcripts); c.3618_3619insAA, p.Glu1207fs (NM_001407646.1, NM_001407647.1); c.3504_3505insAA, p.Glu1169fs (NM_001407648.1, NM_001407664.1, NM_001407665.1 and 19 more transcripts); c.3501_3502insAA, p.Glu1168fs (NM_001407649.1, NM_001407670.1, NM_001407671.1 and 11 more transcripts); c.3549_3550insAA, p.Glu1184fs (NM_001407653.1, NM_001407654.1, NM_001407655.1 and 4 more transcripts); c.3546_3547insAA, p.Glu1183fs (NM_001407659.1, NM_001407660.1, NM_001407661.1 and 1 more transcripts); and 41 more; short protein forms E1142fs, E1143fs, E1162fs, E1169fs, E1140fs, E1184fs, E342fs, E914fs.
Identifiers: ClinVar variation 3657706 (VCV003657706.2).
Genomic context (GRCh38, chr17:43,091,903, plus strand): 5'-ACAAGTGTTGGAAGCAGGGAAGCTCTTCATCCTCACTAGATAAGTTCTCTTCTGAGGACT[C>CTT]TAATTTCTTGGCCCCTCTTCGGTAACCCTGAGCCAAATGTGTATGGGTGAAAGGGCTAGG-3'